The following is an entry in ClinVar:

NM_000252.3(MTM1):c.1138G>C (p.Asp380His)

Gene: MTM1 (myotubularin 1; plus strand). Cytogenetic location: Xq28.
Variant type: single nucleotide variant.
Coding change: c.1138G>C on transcript NM_000252.3 (MANE Select); coding-DNA position 1138, G replaced by C.
Protein change: p.Asp380His; replaces aspartic acid 380 with histidine.
Molecular consequence: missense variant.
Genome position (GRCh38, 1-based): chrX:150,657,905, G>C. VCF-style: chrX-150657905-G-C. GRCh37 (hg19) VCF-style: chrX-149826378-G-C.
Other names: c.1138G>C, p.Asp380His (NM_001376906.1, NM_001376908.1); c.1027G>C, p.Asp343His (NM_001376907.1); short protein forms D343H, D380H.
Identifiers: ClinVar variation 3893226 (VCV003893226.1).
Genomic context (GRCh38, chrX:150,657,905, plus strand): 5'-GTAGCAGACAAAGTTTCTTCAGGGAAGAGTTCAGTGCTTGTGCATTGCAGTGACGGATGG[G>C]ACAGGACTGCTCAGCTGACATCCTTGGCCATGCTGATGTTGGATAGCTTCTATAGGAGCA-3'
Protein context (NP_000243.1, residues 370-390): SVLVHCSDGW[Asp380His]RTAQLTSLAM

ClinVar aggregate classification (germline): Likely pathogenic (1 of 4 stars; one submission).

Conditions:
Severe X-linked myotubular myopathy (CNMX). Also called: MYOTUBULAR MYOPATHY 1; Myotubular myopathy, X-linked; X-linked centronuclear myopathy. Identifiers: Orphanet 596, MedGen C0410203, MONDO:0010683, OMIM 310400.

Submission:

Kasturba Medical College, Manipal, Kasturba Medical College, Manipal, Manipal Academy of Higher Education, Manipal, India
Classification: Likely pathogenic for Severe X-linked myotubular myopathy. Review status: criteria provided, single submitter. Criteria: ACMG Guidelines, 2015. Collection method: research. Allele origin: de novo. Inheritance: Autosomal dominant inheritance. Affected: yes. Observed: 1 heterozygote.
Comment: This variant is not observed in the gnomAD (v4.1.0) population database and our in-house database of 3596 individuals. In silico prediction tools (MutationTaster, CADD phred, and REVEL) are consistent in predicting the variant to be damaging to MTM1 protein function. Myopathy, centronuclear, X-linked predominantly affects male individuals. However, female carriers have been reported to be affected with milder symptoms (Chausova et al., 2023).